The following is an entry in ClinVar:

ClinVar aggregate classification (germline): Pathogenic (1 of 4 stars; one submission).

Submission:

Labcorp Genetics (formerly Invitae), Labcorp
Classification: Pathogenic. Last evaluated: 2023-04-12. Review status: criteria provided, single submitter. Criteria: Invitae Variant Classification Sherloc (09022015). Collection method: clinical testing. Allele origin: germline.
Comment: For these reasons, this variant has been classified as Pathogenic. This variant disrupts a region of the POLR3B protein in which other variant(s) (p.Arg890His) have been determined to be pathogenic (PMID: 31577365; Invitae). This suggests that this is a clinically significant region of the protein, and that variants that disrupt it are likely to be disease-causing. This variant has not been reported in the literature in individuals affected with POLR3B-related conditions. This variant is a gross deletion of the genomic region encompassing exon(s) 20-23 of the POLR3B gene. This variant would be expected to be in-frame, preserving the integrity of the reading frame.

Literature cited by the submitters: PubMed 31577365.

NC_000012.11:g.(?_106848260)_(106857418_?)del

Gene: POLR3B (RNA polymerase III subunit B; plus strand). Cytogenetic location: 12q23.3.
Variant type: Deletion.
Identifiers: ClinVar variation 2426434 (VCV002426434.4).